The following is an entry in ClinVar:

NM_145046.5(CALR3):c.538C>A (p.Leu180Ile)

Gene: CALR3 (calreticulin 3; minus strand). Cytogenetic location: 19p13.11.
Variant type: single nucleotide variant.
Coding change: c.538C>A on transcript NM_145046.5 (MANE Select); coding-DNA position 538, C replaced by A.
Protein change: p.Leu180Ile; replaces leucine 180 with isoleucine.
Molecular consequence: missense variant.
Genome position (GRCh38, 1-based): chr19:16,484,070, G>T on the plus strand (C>A on the coding strand, the complement: CALR3 is on the minus strand). VCF-style: chr19-16484070-G-T. GRCh37 (hg19) VCF-style: chr19-16594881-G-T.
Other names: short protein forms L180I.
Identifiers: ClinVar variation 2784975 (VCV002784975.3), dbSNP rs2513190099, ClinGen allele CA404610055.

ClinVar aggregate classification (germline): Uncertain significance (1 of 4 stars; one submission).

Conditions:
Hypertrophic cardiomyopathy 19. Also called: Familial hypertrophic cardiomyopathy 19. Identifiers: MedGen CN077603, MONDO:0013476.

Allele frequency attached by ClinVar (database versions not stated): gnomAD exomes below 0.00001.

Submission:

Labcorp Genetics (formerly Invitae), Labcorp
Classification: Uncertain significance for Hypertrophic cardiomyopathy 19. Last evaluated: 2023-06-27. Review status: criteria provided, single submitter. Criteria: Invitae Variant Classification Sherloc (09022015). Collection method: clinical testing. Allele origin: germline.
Comment: In summary, the available evidence is currently insufficient to determine the role of this variant in disease. Therefore, it has been classified as a Variant of Uncertain Significance. Advanced modeling of protein sequence and biophysical properties (such as structural, functional, and spatial information, amino acid conservation, physicochemical variation, residue mobility, and thermodynamic stability) performed at Invitae indicates that this missense variant is not expected to disrupt CALR3 protein function. This variant has not been reported in the literature in individuals affected with CALR3-related conditions. This variant is not present in population databases (gnomAD no frequency). This sequence change replaces leucine, which is neutral and non-polar, with isoleucine, which is neutral and non-polar, at codon 180 of the CALR3 protein (p.Leu180Ile).